The following is an entry in ClinVar:

ClinVar aggregate classification (germline): drug response. Review status: reviewed by expert panel (3 of 4 stars). 25 submissions from 11 submitters: drug response (15). 10 of the submissions do not count toward it. Last evaluated 2022-02-15.

Conditions:
SLCO1B1-related disorder. Also called: SLCO1B1-related condition.
Rotor syndrome (HBLRR). Also called: HYPERBILIRUBINEMIA, ROTOR TYPE, DIGENIC; HYPERBILIRUBINEMIA, ROTOR TYPE. Identifiers: Orphanet 3111, MedGen C0220991, MONDO:0009379, OMIM 237450.
Gilbert syndrome. Also called: HYPERBILIRUBINEMIA I; HYPERBILIRUBINEMIA, ARIAS TYPE; Gilbert Disease; HYPERBILIRUBINEMIA, GILBERT TYPE; Gilbert's syndrome. Identifiers: MedGen C0017551, MONDO:0007745, OMIM 143500.
pravastatin response - Toxicity.
rosuvastatin response - Toxicity.
simvastatin response - Metabolism/PK.
fluvastatin response - Metabolism/PK.
fluvastatin response - Toxicity.
lovastatin acid response - Metabolism/PK.
lovastatin response - Metabolism/PK.
lovastatin response - Toxicity.
pitavastatin response - Metabolism/PK.
atorvastatin response - Metabolism/PK.
atorvastatin response - Toxicity.
hmg coa reductase inhibitors response - Toxicity.
simvastatin response - Toxicity.
rosuvastatin response - Metabolism/PK.
simvastatin acid response - Metabolism/PK.

Allele frequency attached by ClinVar (database versions not stated): 1000 Genomes Project 30x 0.08292; gnomAD 0.12106 and 0.12048; ExAC 0.12943; ESP Exome Variant Server 0.11495; 1000 Genomes Project 0.08766; TOPMed 0.11109; gnomAD exomes 0.14443 and 0.13288.
gnomAD v4.1: 228,311 of 1,604,544 alleles (14%); highest among the groups gnomAD compares: Middle Eastern, 21%; 17,896 homozygotes.

Submissions 1 to 17 of 25:

ClinPGx
Classification: drug response for atorvastatin response - Metabolism/PK. Last evaluated: 2022-02-15. Review status: reviewed by expert panel. Criteria: Pharmacogenomics knowledge for personalized medicine. Collection method: curation. Allele origin: germline. Affected: yes.
Comment: PharmGKB Level of Evidence 1A: Level 1A clinical annotations describe variant-drug combinations that have variant-specific prescribing guidance available in a current clinical guideline annotation or an FDA-approved drug label annotation. Annotations of drug labels or clinical guidelines must give prescribing guidance for specific variants (e.g. CYP2C9*3, HLA-B*57:01) or provide mapping from defined allele functions to diplotypes and phenotypes to be used as supporting evidence for a level 1A clinical annotation. Level 1A clinical annotations must also be supported by at least one publication in addition to a clinical guideline or drug label with variant-specific prescribing guidance.

ClinPGx
Classification: drug response for lovastatin response - Toxicity. Last evaluated: 2022-02-15. Review status: reviewed by expert panel. Criteria: Pharmacogenomics knowledge for personalized medicine. Collection method: curation. Allele origin: germline. Affected: yes.
Comment: PharmGKB Level of Evidence 1A: Level 1A clinical annotations describe variant-drug combinations that have variant-specific prescribing guidance available in a current clinical guideline annotation or an FDA-approved drug label annotation. Annotations of drug labels or clinical guidelines must give prescribing guidance for specific variants (e.g. CYP2C9*3, HLA-B*57:01) or provide mapping from defined allele functions to diplotypes and phenotypes to be used as supporting evidence for a level 1A clinical annotation. Level 1A clinical annotations must also be supported by at least one publication in addition to a clinical guideline or drug label with variant-specific prescribing guidance.

Drug is not necessarily used to treat response condition

ClinPGx
Classification: drug response for pitavastatin response - Metabolism/PK. Last evaluated: 2022-02-15. Review status: reviewed by expert panel. Criteria: Pharmacogenomics knowledge for personalized medicine. Collection method: curation. Allele origin: germline. Affected: yes.
Comment: the same text as in the submission from ClinPGx above.

ClinPGx
Classification: drug response for pravastatin response - Toxicity. Last evaluated: 2022-02-15. Review status: reviewed by expert panel. Criteria: Pharmacogenomics knowledge for personalized medicine. Collection method: curation. Allele origin: germline. Affected: yes.
Comment: the same text as in the submission from ClinPGx above.

ClinPGx
Classification: drug response for simvastatin response - Metabolism/PK. Last evaluated: 2022-02-14. Review status: reviewed by expert panel. Criteria: Pharmacogenomics knowledge for personalized medicine. Collection method: curation. Allele origin: germline. Affected: yes.
Comment: the same text as in the submission from ClinPGx above.

ClinPGx
Classification: drug response for fluvastatin response - Metabolism/PK. Last evaluated: 2022-02-10. Review status: reviewed by expert panel. Criteria: Pharmacogenomics knowledge for personalized medicine. Collection method: curation. Allele origin: germline. Affected: yes.
Comment: the same text as in the submission from ClinPGx above.

ClinPGx
Classification: drug response for fluvastatin response - Toxicity. Last evaluated: 2022-02-10. Review status: reviewed by expert panel. Criteria: Pharmacogenomics knowledge for personalized medicine. Collection method: curation. Allele origin: germline. Affected: yes.
Comment: the same text as in the submission from ClinPGx above.

ClinPGx
Classification: drug response for lovastatin acid response - Metabolism/PK. Last evaluated: 2022-02-10. Review status: reviewed by expert panel. Criteria: Pharmacogenomics knowledge for personalized medicine. Collection method: curation. Allele origin: germline. Affected: yes.
Comment: the same text as in the submission from ClinPGx above.

ClinPGx
Classification: drug response for lovastatin response - Metabolism/PK. Last evaluated: 2022-02-10. Review status: reviewed by expert panel. Criteria: Pharmacogenomics knowledge for personalized medicine. Collection method: curation. Allele origin: germline. Affected: yes.
Comment: the same text as in the submission from ClinPGx above.

ClinPGx
Classification: drug response for rosuvastatin response - Toxicity. Last evaluated: 2022-02-10. Review status: reviewed by expert panel. Criteria: Pharmacogenomics knowledge for personalized medicine. Collection method: curation. Allele origin: germline. Affected: yes.
Comment: the same text as in the submission from ClinPGx above.

ClinPGx
Classification: drug response for simvastatin response - Toxicity. Last evaluated: 2021-04-07. Review status: reviewed by expert panel. Criteria: Pharmacogenomics knowledge for personalized medicine. Collection method: curation. Allele origin: germline. Affected: yes.
Comment: the same text as in the submission from ClinPGx above.

ClinPGx
Classification: drug response for atorvastatin response - Toxicity. Last evaluated: 2021-04-07. Review status: reviewed by expert panel. Criteria: Pharmacogenomics knowledge for personalized medicine. Collection method: curation. Allele origin: germline. Affected: yes.
Comment: the same text as in the submission from ClinPGx above.

ClinPGx
Classification: drug response for rosuvastatin response - Metabolism/PK. Last evaluated: 2021-03-24. Review status: reviewed by expert panel. Criteria: Pharmacogenomics knowledge for personalized medicine. Collection method: curation. Allele origin: germline. Affected: yes.
Comment: PharmGKB Level of Evidence 2A: Variants in Level 2A clinical annotations are found in PharmGKB’s Tier 1 Very Important Pharmacogenes (VIPs). These variants are in known pharmacogenes, implying causation of drug phenotype is more likely. These clinical annotations describe variant-drug combinations with a moderate level of evidence supporting the association. For example, the association may be found in multiple cohorts, but there may be a minority of studies that do not support the majority assertion. Level 2A clinical annotations must be supported by at least two independent publications.

Drug is not necessarily used to treat response condition

ClinPGx
Classification: drug response for hmg coa reductase inhibitors response - Toxicity. Last evaluated: 2021-03-24. Review status: reviewed by expert panel. Criteria: Pharmacogenomics knowledge for personalized medicine. Collection method: curation. Allele origin: germline. Affected: yes.
Comment: the same text as in the submission from ClinPGx above.

ClinPGx
Classification: drug response for simvastatin acid response - Metabolism/PK. Last evaluated: 2021-03-24. Review status: reviewed by expert panel. Criteria: Pharmacogenomics knowledge for personalized medicine. Collection method: curation. Allele origin: germline. Affected: yes.
Comment: PharmGKB Level of Evidence 2A: Variants in Level 2A clinical annotations are found in PharmGKB’s Tier 1 Very Important Pharmacogenes (VIPs). These variants are in known pharmacogenes, implying causation of drug phenotype is more likely. These clinical annotations describe variant-drug combinations with a moderate level of evidence supporting the association. For example, the association may be found in multiple cohorts, but there may be a minority of studies that do not support the majority assertion. Level 2A clinical annotations must be supported by at least two independent publications.

ARUP Laboratories, Molecular Genetics and Genomics, ARUP Laboratories
Classification: Benign for Rotor syndrome. Last evaluated: 2025-07-31. Review status: criteria provided, single submitter. Criteria: ARUP Molecular Germline Variant Investigation Process 2024. Collection method: clinical testing. Allele origin: germline. Not counted in ClinVar's aggregate classification.

GeneDx
Classification: Benign. Last evaluated: 2018-03-14. Review status: criteria provided, single submitter. Criteria: GeneDx Variant Classification (06012015). Collection method: clinical testing. Allele origin: germline. Affected: yes. Not counted in ClinVar's aggregate classification.
Comment: This variant is considered likely benign or benign based on one or more of the following criteria: it is a conservative change, it occurs at a poorly conserved position in the protein, it is predicted to be benign by multiple in silico algorithms, and/or has population frequency not consistent with disease.

NM_006446.5(SLCO1B1):c.521T>C (p.Val174Ala)

Gene: SLCO1B1 (solute carrier organic anion transporter family member 1B1; plus strand). Cytogenetic location: 12p12.1.
Variant type: single nucleotide variant.
Coding change: c.521T>C on transcript NM_006446.5 (MANE Select); coding-DNA position 521, T replaced by C.
Protein change: p.Val174Ala; replaces valine 174 with alanine.
Molecular consequence: missense variant.
Genome position (GRCh38, 1-based): chr12:21,178,615, T>C. VCF-style: chr12-21178615-T-C. GRCh37 (hg19) VCF-style: chr12-21331549-T-C.
Other names: SLCO1B1, p.V174A; c.521T>C; short protein forms V174A.
Identifiers: ClinVar variation 37346 (VCV000037346.109), dbSNP rs4149056, ClinGen allele CA6476722.
Genomic context (GRCh38, chr12:21,178,615, plus strand): 5'-AACACTCTCTTATCTACATAGGTTGTTTAAAGGAATCTGGGTCATACATGTGGATATATG[T>C]GTTCATGGGTAATATGCTTCGTGGAATAGGGGAGACTCCCATAGTACCATTGGGGCTTTC-3'
Protein context (NP_006437.3, residues 164-184): KESGSYMWIY[Val174Ala]FMGNMLRGIG